The following is an entry in ClinVar:

ClinVar aggregate classification (germline): Uncertain significance (1 of 4 stars; one submission).

Conditions:
Deficiency of 2-methylbutyryl-CoA dehydrogenase (ACADSB). Also called: 2-methylbutyryl-CoA dehydrogenase deficiency; SBCAD deficiency; 2-methylbutyric aciduria; Short branched-chain acyl-CoA dehydrogenase deficiency; 2-methylbutyrylglycinuria. Identifiers: Orphanet 79157, MedGen C1864912, MONDO:0012392, OMIM 610006, HP:0020147.

Allele frequency attached by ClinVar (database versions not stated): ExAC 0.00001; gnomAD exomes 0.00001.
gnomAD v4.1: 7 of 1,614,064 alleles (0.00043%); highest among the groups gnomAD compares: South Asian, 0.0022%; no homozygotes.

Submission:

Labcorp Genetics (formerly Invitae), Labcorp
Classification: Uncertain significance for Deficiency of 2-methylbutyryl-CoA dehydrogenase. Last evaluated: 2024-02-24. Review status: criteria provided, single submitter. Criteria: Invitae Variant Classification Sherloc (09022015). Collection method: clinical testing. Allele origin: germline.
Comment: This sequence change replaces glycine, which is neutral and non-polar, with arginine, which is basic and polar, at codon 390 of the ACADSB protein (p.Gly390Arg). This variant is present in population databases (rs764095189, gnomAD 0.003%). This variant has not been reported in the literature in individuals affected with ACADSB-related conditions. ClinVar contains an entry for this variant (Variation ID: 659656). Advanced modeling of protein sequence and biophysical properties (such as structural, functional, and spatial information, amino acid conservation, physicochemical variation, residue mobility, and thermodynamic stability) performed at Invitae indicates that this missense variant is expected to disrupt ACADSB protein function with a positive predictive value of 80%. In summary, the available evidence is currently insufficient to determine the role of this variant in disease. Therefore, it has been classified as a Variant of Uncertain Significance.

NM_001609.4(ACADSB):c.1168G>A (p.Gly390Arg)

Gene: ACADSB (acyl-CoA dehydrogenase short/branched chain; plus strand). Cytogenetic location: 10q26.13.
Variant type: single nucleotide variant.
Coding change: c.1168G>A on transcript NM_001609.4 (MANE Select); coding-DNA position 1168, G replaced by A.
Protein change: p.Gly390Arg; replaces glycine 390 with arginine.
Molecular consequence: missense variant.
Genome position (GRCh38, 1-based): chr10:123,053,100, G>A. VCF-style: chr10-123053100-G-A. GRCh37 (hg19) VCF-style: chr10-124812616-G-A.
Other names: c.862G>A, p.Gly288Arg (NM_001330174.3); short protein forms G288R, G390R.
Identifiers: ClinVar variation 659656 (VCV000659656.8), dbSNP rs764095189, ClinGen allele CA5730949.
Genomic context (GRCh38, chr10:123,053,100, plus strand): 5'-ATTTGCACTTGCTTTTGGTAGATTGCAGGACAAACAACGAGTAAATGTATCGAGTGGATG[G>A]GGGGAGTAGGCTACACCAAAGATTACCCTGTGGAGAAATACTTCCGAGATGCAAAGATTG-3'
Protein context (NP_001600.1, residues 380-400): QTTSKCIEWM[Gly390Arg]GVGYTKDYPV